The following is an entry in ClinVar:

ClinVar aggregate classification (germline): Uncertain significance (1 of 4 stars; one submission).

Conditions:
Familial thoracic aortic aneurysm and aortic dissection (TAAD). Also called: Thoracic aortic aneurysms and dissections. Identifiers: Orphanet 91387, MedGen C4707243, MONDO:0019625.

Submission:

Color Diagnostics, LLC DBA Color Health
Classification: Uncertain significance for Familial thoracic aortic aneurysm and aortic dissection. Last evaluated: 2025-08-24. Review status: criteria provided, single submitter. Criteria: ACMG Guidelines, 2015. Collection method: clinical testing. Allele origin: germline.
Comment: This missense variant replaces aspartic acid with glutamic acid at codon 49 of the SMAD3 protein. Computational prediction suggests that this variant may not impact protein structure and function. To our knowledge, functional studies have not been reported for this variant. This variant has not been reported in individuals affected with SMAD3-related disorders in the literature. This variant has not been identified in the general population by the Genome Aggregation Database (gnomAD). The available evidence is insufficient to determine the role of this variant in disease conclusively. Therefore, this variant is classified as a Variant of Uncertain Significance.

NM_005902.4(SMAD3):c.147C>G (p.Asp49Glu)

Gene: SMAD3 (SMAD family member 3; plus strand). Cytogenetic location: 15q22.33.
Variant type: single nucleotide variant.
Coding change: c.147C>G on transcript NM_005902.4 (MANE Select); coding-DNA position 147, C replaced by G.
Protein change: p.Asp49Glu; replaces aspartic acid 49 with glutamic acid.
Molecular consequence: missense variant.
Genome position (GRCh38, 1-based): chr15:67,066,301, C>G. VCF-style: chr15-67066301-C-G. GRCh37 (hg19) VCF-style: chr15-67358639-C-G.
Other names: c.147C>G, p.Asp49Glu (NM_001407011.1, NM_001407012.1, NM_001407013.1); short protein forms D49E.
Identifiers: ClinVar variation 4757850 (VCV004757850.1).